The following is an entry in ClinVar:

ClinVar aggregate classification (germline): Uncertain significance (1 of 4 stars; one submission).

Submission:

Labcorp Genetics (formerly Invitae), Labcorp
Classification: Uncertain significance. Last evaluated: 2025-02-27. Review status: criteria provided, single submitter. Criteria: Invitae Variant Classification Sherloc (09022015). Collection method: clinical testing. Allele origin: germline.
Comment: This sequence change replaces arginine, which is basic and polar, with leucine, which is neutral and non-polar, at codon 241 of the STAT4 protein (p.Arg241Leu). This variant is not present in population databases (gnomAD no frequency). This variant has not been reported in the literature in individuals affected with STAT4-related conditions. Invitae Evidence Modeling of protein sequence and biophysical properties (such as structural, functional, and spatial information, amino acid conservation, physicochemical variation, residue mobility, and thermodynamic stability) indicates that this missense variant is expected to disrupt STAT4 protein function with a positive predictive value of 80%. In summary, the available evidence is currently insufficient to determine the role of this variant in disease. Therefore, it has been classified as a Variant of Uncertain Significance.

NM_003151.4(STAT4):c.722G>T (p.Arg241Leu)

Gene: STAT4 (signal transducer and activator of transcription 4; minus strand). Cytogenetic location: 2q32.2.
Variant type: single nucleotide variant.
Coding change: c.722G>T on transcript NM_003151.4 (MANE Select); coding-DNA position 722, G replaced by T.
Protein change: p.Arg241Leu; replaces arginine 241 with leucine.
Molecular consequence: missense variant.
Genome position (GRCh38, 1-based): chr2:191,064,867, C>A on the plus strand (G>T on the coding strand, the complement: STAT4 is on the minus strand). VCF-style: chr2-191064867-C-A. GRCh37 (hg19) VCF-style: chr2-191929593-C-A.
Other names: c.722G>T, p.Arg241Leu (NM_001243835.2); short protein forms R241L.
Identifiers: ClinVar variation 4803324 (VCV004803324.1).